The following is an entry in ClinVar:

NM_001037281.2(PARD6A):c.627G>A (p.Ala209=)

Gene: PARD6A (par-6 family cell polarity regulator alpha; plus strand). Cytogenetic location: 16q22.1.
Variant type: single nucleotide variant.
Coding change: c.627G>A on transcript NM_001037281.2 (MANE Select); coding-DNA position 627, G replaced by A.
Protein change: p.Ala209=; no amino-acid change (alanine 209 retained).
Molecular consequence: synonymous variant.
Genome position (GRCh38, 1-based): chr16:67,662,236, G>A. VCF-style: chr16-67662236-G-A. GRCh37 (hg19) VCF-style: chr16-67696139-G-A.
Other names: c.630G>A, p.Ala210= (NM_016948.3).
Identifiers: ClinVar variation 3053287 (VCV003053287.2), dbSNP rs141258993, ClinGen allele CA8115115.
Genomic context (GRCh38, chr16:67,662,236, plus strand): 5'-AGGAATCTTCATCTCCCGCCTGGTACGTGGGGGTCTGGCTGAGAGTACAGGGCTGCTGGC[G>A]GTCAGTGATGAGATCCTCGAGGTCAATGGCATTGAAGTAGCCGGGAAGACCTTGGACCAA-3'
Protein context (NP_001032358.1, residues 199-219): GGLAESTGLL[Ala209=]VSDEILEVNG

ClinVar aggregate classification (germline): Likely benign (0 of 4 stars; one submission).

Conditions:
PARD6A-related disorder. Also called: PARD6A-related condition.

Allele frequency attached by ClinVar (database versions not stated): TOPMed 0.00006; ExAC 0.00020; ESP Exome Variant Server 0.00023.

Submission:

PreventionGenetics, part of Exact Sciences
Classification: Likely benign for PARD6A-related condition. Last evaluated: 2019-08-16. Review status: no assertion criteria provided. Collection method: clinical testing. Allele origin: germline.
Comment: This variant is classified as likely benign based on ACMG/AMP sequence variant interpretation guidelines (Richards et al. 2015 PMID: 25741868, with internal and published modifications).